The following is an entry in ClinVar:

NM_005219.5(DIAPH1):c.2939C>T (p.Thr980Ile)

Gene: DIAPH1 (diaphanous related formin 1; minus strand). Cytogenetic location: 5q31.3.
Variant type: single nucleotide variant.
Coding change: c.2939C>T on transcript NM_005219.5 (MANE Select); coding-DNA position 2939, C replaced by T.
Protein change: p.Thr980Ile; replaces threonine 980 with isoleucine.
Molecular consequence: missense variant.
Genome position (GRCh38, 1-based): chr5:141,528,781, G>A on the plus strand (C>T on the coding strand, the complement: DIAPH1 is on the minus strand). VCF-style: chr5-141528781-G-A. GRCh37 (hg19) VCF-style: chr5-140908348-G-A.
Other names: p.Thr980Ile; c.2912C>T, p.Thr971Ile (NM_001079812.3); c.2939C>T, p.Thr980Ile (NM_001314007.2); short protein forms T971I, T980I.
Identifiers: ClinVar variation 1911966 (VCV001911966.6), dbSNP rs1166564935, ClinGen allele CA361584340.

ClinVar aggregate classification (germline): Uncertain significance. Review status: criteria provided, multiple submitters, no conflicts (2 of 4 stars). 2 submissions from 2 submitters: Uncertain significance (2). Last evaluated 2025-05-28.

Conditions:
Progressive microcephaly-seizures-cortical blindness-developmental delay syndrome. Also called: Seizures, cortical blindness, and microcephaly syndrome. Identifiers: Orphanet 477814, MedGen C5567650, MONDO:0014714, OMIM 616632.
Autosomal dominant nonsyndromic hearing loss 1. Also called: KONIGSMARK SYNDROME; DEAFNESS, AUTOSOMAL DOMINANT 1, WITH OR WITHOUT THROMBOCYTOPENIA. Identifiers: Orphanet 90635, MedGen C1852282, MONDO:0007424, OMIM 124900.

Allele frequency attached by ClinVar (database versions not stated): gnomAD exomes below 0.00001.
gnomAD v4.1: 4 of 1,614,180 alleles (0.00025%); highest among the groups gnomAD compares: Non-Finnish European, 0.00034%; no homozygotes.

Submissions (2):

Labcorp Genetics (formerly Invitae), Labcorp
Classification: Uncertain significance for Progressive microcephaly-seizures-cortical blindness-developmental delay syndrome; Autosomal dominant nonsyndromic hearing loss 1. Last evaluated: 2025-05-28. Review status: criteria provided, single submitter. Criteria: Invitae Variant Classification Sherloc (09022015). Collection method: clinical testing. Allele origin: germline.
Comment: This sequence change replaces threonine, which is neutral and polar, with isoleucine, which is neutral and non-polar, at codon 980 of the DIAPH1 protein (p.Thr980Ile). This variant is present in population databases (no rsID available, gnomAD 0.002%). This variant has not been reported in the literature in individuals affected with DIAPH1-related conditions. ClinVar contains an entry for this variant (Variation ID: 1911966). An algorithm developed to predict the effect of missense changes on protein structure and function (PolyPhen-2) suggests that this variant is likely to be tolerated. In summary, the available evidence is currently insufficient to determine the role of this variant in disease. Therefore, it has been classified as a Variant of Uncertain Significance.

Mayo Clinic Laboratories, Mayo Clinic
Classification: Uncertain significance. Last evaluated: 2023-10-24. Review status: criteria provided, single submitter. Criteria: ACMG Guidelines, 2015. Collection method: clinical testing. Allele origin: germline. Observed: 1 variant allele.
Comment: BP4